The following is an entry in ClinVar:

ClinVar aggregate classification (germline): Conflicting classifications of pathogenicity. Review status: criteria provided, conflicting classifications (1 of 4 stars). 2 submissions from 2 submitters: Uncertain significance (1); Likely benign (1). Last evaluated 2026-01-26.

Conditions:
Cardiovascular phenotype. Identifiers: MedGen CN230736.
Hypercholesterolemia, autosomal dominant, type B (FHCL2). Also called: APOB-Related Familial Hypercholesterolemia, Autosomal Dominant; Hyperlipoproteinemia Type IIb; Familial Hypercholesterolemia Type B; APOLIPOPROTEIN B-100, FAMILIAL DEFECTIVE; APOLIPOPROTEIN B-100, FAMILIAL LIGAND-DEFECTIVE; Familial hypercholesterolemia 2. Identifiers: MedGen C1704417, MONDO:0007751, OMIM 144010.
Familial hypobetalipoproteinemia 1. Also called: APOB-Related Familial Hypobetalipoproteinemia; Hypobetalipoproteinemia, normotriglyceridemic; Acanthocytosis with hypobetalipoproteinemia. Identifiers: MedGen C4551990, MONDO:0014252, OMIM 615558.

Allele frequency attached by ClinVar (database versions not stated): 1000 Genomes Project 0.00020; 1000 Genomes Project 30x 0.00031; gnomAD 0.00001; gnomAD exomes 0.00002; ExAC 0.00003.
gnomAD v4.1: 39 of 1,614,000 alleles (0.0024%); highest among the groups gnomAD compares: East Asian, 0.067%; no homozygotes.

Submissions (2):

Labcorp Genetics (formerly Invitae), Labcorp
Classification: Likely benign for Familial hypobetalipoproteinemia 1; Hypercholesterolemia, autosomal dominant, type B. Last evaluated: 2026-01-26. Review status: criteria provided, single submitter. Criteria: Invitae Variant Classification Sherloc (09022015). Collection method: clinical testing. Allele origin: germline.

Ambry Genetics
Classification: Uncertain significance for Cardiovascular phenotype. Last evaluated: 2025-07-21. Review status: criteria provided, single submitter. Criteria: Ambry Variant Classification Scheme 2023. Collection method: clinical testing. Allele origin: germline.
Comment: The p.A2704V variant (also known as c.8111C>T), located in coding exon 26 of the APOB gene, results from a C to T substitution at nucleotide position 8111. The alanine at codon 2704 is replaced by valine, an amino acid with similar properties. This variant has been detected in a hypertriglyceridemia cohort in an individual with elevated total cholesterol and triglycerides and low LDL and HDL cholesterol (Tada H et al. Clin Chim Acta, 2019 Jan;488:31-39). This amino acid position is not well conserved in available vertebrate species. In addition, this alteration is predicted to be tolerated by in silico analysis. Since supporting evidence is limited at this time, the clinical significance of this alteration remains unclear.

Literature cited by the submitters: PubMed 30389453 (cited by Ambry Genetics).

NM_000384.3(APOB):c.8111C>T (p.Ala2704Val)

Gene: APOB (apolipoprotein B; minus strand). Cytogenetic location: 2p24.1.
Variant type: single nucleotide variant.
Coding change: c.8111C>T on transcript NM_000384.3 (MANE Select); coding-DNA position 8111, C replaced by T.
Protein change: p.Ala2704Val; replaces alanine 2704 with valine.
Molecular consequence: missense variant.
Genome position (GRCh38, 1-based): chr2:21,008,757, G>A on the plus strand (C>T on the coding strand, the complement: APOB is on the minus strand). VCF-style: chr2-21008757-G-A. GRCh37 (hg19) VCF-style: chr2-21231629-G-A.
Other names: short protein forms A2704V.
Identifiers: ClinVar variation 630274 (VCV000630274.9), dbSNP rs201874707, ClinGen allele CA065164.